The following is an entry in ClinVar:

NM_002637.4(PHKA1):c.2054G>A (p.Gly685Glu)

Gene: PHKA1 (phosphorylase kinase regulatory subunit alpha 1; minus strand). Cytogenetic location: Xq13.1.
Variant type: single nucleotide variant.
Coding change: c.2054G>A on transcript NM_002637.4 (MANE Select); coding-DNA position 2054, G replaced by A.
Protein change: p.Gly685Glu; replaces glycine 685 with glutamic acid.
Molecular consequence: missense variant. On other transcripts: intron variant (2).
Genome position (GRCh38, 1-based): chrX:72,620,808, C>T on the plus strand (G>A on the coding strand, the complement: PHKA1 is on the minus strand). VCF-style: chrX-72620808-C-T. GRCh37 (hg19) VCF-style: chrX-71840658-C-T.
Other names: c.2054G>A, p.Gly685Glu (NM_001122670.2, NM_001431068.1, NM_001440787.1); c.1961-1503G>A (NM_001440788.1, NM_001172436.2); short protein forms G685E.
Identifiers: ClinVar variation 4720079 (VCV004720079.1).
Genomic context (GRCh38, chrX:72,620,808, plus strand): 5'-TTGGTCACCAAGGACATTAAGTCGCAGGTTGTTTGCACAGCAGCTTGGAACCGATCTAGC[C>T]CTCCCTTCTGTGAGGTAGGGGCTAGTTTAGGATGGGGAGCAGTGTGCGCCAAAAGGTGAT-3'
Protein context (NP_002628.2, residues 675-695): PKLAPTSQKG[Gly685Glu]LDRFQAAVQT

ClinVar aggregate classification (germline): Uncertain significance (1 of 4 stars; one submission).

Conditions:
Glycogen storage disease IXd (GSD9D). Also called: Muscle Phosphorylase Kinase Deficiency; GSD IXd. Identifiers: Orphanet 715, MedGen C1845151, MONDO:0010362, OMIM 300559.

Submission:

Labcorp Genetics (formerly Invitae), Labcorp
Classification: Uncertain significance for Glycogen storage disease IXd. Last evaluated: 2025-06-02. Review status: criteria provided, single submitter. Criteria: Invitae Variant Classification Sherloc (09022015). Collection method: clinical testing. Allele origin: germline.
Comment: This sequence change replaces glycine, which is neutral and non-polar, with glutamic acid, which is acidic and polar, at codon 685 of the PHKA1 protein (p.Gly685Glu). This variant is not present in population databases (gnomAD no frequency). This variant has not been reported in the literature in individuals affected with PHKA1-related conditions. An algorithm developed to predict the effect of missense changes on protein structure and function (PolyPhen-2) suggests that this variant is likely to be tolerated. In summary, the available evidence is currently insufficient to determine the role of this variant in disease. Therefore, it has been classified as a Variant of Uncertain Significance.